The following is an entry in ClinVar:

NM_147127.5(EVC2):c.2796_2797del (p.Cys932_Glu933delinsTer)

Gene: EVC2 (EvC ciliary complex subunit 2; minus strand). Cytogenetic location: 4p16.2.
Variant type: Microsatellite.
Coding change: c.2796_2797del on transcript NM_147127.5 (MANE Select); coding-DNA positions 2796 to 2797, 2 bases deleted (TG; older notation c.2796_2797delTG).
Protein change: p.Cys932_Glu933delinsTer.
Molecular consequence: nonsense.
Genome position (GRCh38, 1-based): chr4:5,615,454-5,615,455, CA deleted on the plus strand (TG on the coding strand, the reverse complement: EVC2 is on the minus strand); deleting any 2 consecutive bases within chr4:5,615,454-5,615,457 gives the same sequence; the c. name uses the placement nearest the transcript's 3' end. VCF-style (leftmost placement, unchanged base first): chr4-5615453-TCA-T. GRCh37 (hg19) VCF-style: chr4-5617180-TCA-T.
Other names: c.2556_2557del, p.Cys852_Glu853delinsTer (NM_001166136.2).
Identifiers: ClinVar variation 1076943 (VCV001076943.8), dbSNP rs765076649, ClinGen allele CA2834579.

ClinVar aggregate classification (germline): Pathogenic (1 of 4 stars; one submission).

Conditions:
Curry-Hall syndrome (WAD). Also called: WEYERS ACRODENTAL DYSOSTOSIS. Identifiers: Orphanet 952, MedGen C0457013, MONDO:0008673, OMIM 193530.
Ellis-van Creveld syndrome (EVC). Also called: Chondroectodermal dysplasia; MESOECTODERMAL DYSPLASIA; EVC-Related Ellis-van Creveld Syndrome; EVC2-Related Ellis-van Creveld Syndrome. Identifiers: Orphanet 289, MedGen C0013903, MONDO:0009162, OMIM 225500.

Submission:

Labcorp Genetics (formerly Invitae), Labcorp
Classification: Pathogenic for Curry-Hall syndrome; Ellis-van Creveld syndrome. Last evaluated: 2020-03-04. Review status: criteria provided, single submitter. Criteria: Invitae Variant Classification Sherloc (09022015). Collection method: clinical testing. Allele origin: germline.
Comment: For these reasons, this variant has been classified as Pathogenic. Loss-of-function variants in EVC2 are known to be pathogenic (PMID: 17024374, 19810119, 19876929). This variant has not been reported in the literature in individuals with EVC2-related conditions. The frequency data for this variant in the population databases is considered unreliable, as metrics indicate poor data quality at this position in the ExAC database. This sequence change creates a premature translational stop signal (p.Cys932*) in the EVC2 gene. It is expected to result in an absent or disrupted protein product.

Literature cited by the submitters: PubMed 17024374; PubMed 19810119; PubMed 19876929.